The following is an entry in ClinVar:

ClinVar aggregate classification (germline): Uncertain significance (1 of 4 stars; one submission).

Allele frequency attached by ClinVar (database versions not stated): gnomAD exomes 0.00002; gnomAD 0.00003; ExAC 0.00006.
gnomAD v4.1: 27 of 1,608,658 alleles (0.0017%); highest among the groups gnomAD compares: Non-Finnish European, 0.0019%; no homozygotes.

Submission:

Labcorp Genetics (formerly Invitae), Labcorp
Classification: Uncertain significance. Last evaluated: 2022-05-04. Review status: criteria provided, single submitter. Criteria: Invitae Variant Classification Sherloc (09022015). Collection method: clinical testing. Allele origin: germline.
Comment: This sequence change replaces asparagine, which is neutral and polar, with threonine, which is neutral and polar, at codon 648 of the ITGA6 protein (p.Asn648Thr). This variant is present in population databases (rs200970506, gnomAD 0.009%). This variant has not been reported in the literature in individuals affected with ITGA6-related conditions. Algorithms developed to predict the effect of missense changes on protein structure and function (SIFT, PolyPhen-2, Align-GVGD) all suggest that this variant is likely to be tolerated. In summary, the available evidence is currently insufficient to determine the role of this variant in disease. Therefore, it has been classified as a Variant of Uncertain Significance.

NM_000210.4(ITGA6):c.1943A>C (p.Asn648Thr)

Genes: ITGA6 (integrin subunit alpha 6; plus strand), PDK1-AS1 (PDK1 and ITGA6 antisense RNA 1; minus strand). Cytogenetic location: 2q31.1.
Variant type: single nucleotide variant.
Coding change: c.1943A>C on transcript NM_000210.4 (MANE Select); coding-DNA position 1943, A replaced by C.
Protein change: p.Asn648Thr; replaces asparagine 648 with threonine.
Molecular consequence: missense variant.
Genome position (GRCh38, 1-based): chr2:172,487,111, A>C. VCF-style: chr2-172487111-A-C. GRCh37 (hg19) VCF-style: chr2-173351839-A-C.
Other names: c.1943A>C, p.Asn648Thr (NM_001079818.3, NM_001365529.2, NM_001365530.2); c.1586A>C, p.Asn529Thr (NM_001316306.2); c.2060A>C, p.Asn687Thr (NM_001394928.1); short protein forms N529T, N648T, N687T.
Identifiers: ClinVar variation 2073684 (VCV002073684.1), dbSNP rs200970506, ClinGen allele CA1968260.
Genomic context (GRCh38, chr2:172,487,111, plus strand): 5'-ACGACAATGTATGTAACAGCAACCTTAAACTAGAATATAAATTTTGCACCCGAGAAGGAA[A>C]TCAAGACAAATTTTCTTATTTACCAATGTAAGAATCGTTGTGTAGCACTAGCAAAAATGA-3'
Protein context (NP_000201.2, residues 638-658): LEYKFCTREG[Asn648Thr]QDKFSYLPIQ